The following is an entry in ClinVar:

NM_000179.3(MSH6):c.3151G>C (p.Val1051Leu)

Gene: MSH6 (mutS homolog 6; plus strand). Cytogenetic location: 2p16.3.
Variant type: single nucleotide variant.
Coding change: c.3151G>C on transcript NM_000179.3 (MANE Select); coding-DNA position 3151, G replaced by C.
Protein change: p.Val1051Leu; replaces valine 1051 with leucine.
Molecular consequence: missense variant.
Genome position (GRCh38, 1-based): chr2:47,801,134, G>C. VCF-style: chr2-47801134-G-C. GRCh37 (hg19) VCF-style: chr2-48028273-G-C.
Other names: c.2761G>C, p.Val921Leu (NM_001281492.2); c.2245G>C, p.Val749Leu (NM_001281493.2, NM_001281494.2); c.3151G>C (NM_000179.2); short protein forms V749L, V921L, V1051L.
Identifiers: ClinVar variation 1414477 (VCV001414477.7), dbSNP rs576269342, ClinGen allele CA346756711.

ClinVar aggregate classification (germline): Uncertain significance. Review status: criteria provided, multiple submitters, no conflicts (2 of 4 stars). 2 submissions from 2 submitters: Uncertain significance (2). Last evaluated 2024-04-19.

Conditions:
Hereditary nonpolyposis colorectal neoplasms. Identifiers: MedGen C0009405, MeSH D003123.
Hereditary cancer-predisposing syndrome. Also called: Hereditary Cancer Syndrome; Tumor predisposition; Hereditary neoplastic syndrome; Neoplastic Syndromes, Hereditary. Identifiers: Orphanet 140162, MedGen C0027672, MeSH D009386, MONDO:0015356.

Submissions (2):

Ambry Genetics
Classification: Uncertain significance for Hereditary cancer-predisposing syndrome. Last evaluated: 2024-04-19. Review status: criteria provided, single submitter. Criteria: Ambry Variant Classification Scheme 2023. Collection method: clinical testing. Allele origin: germline.
Comment: The p.V1051L variant (also known as c.3151G>C), located in coding exon 4 of the MSH6 gene, results from a G to C substitution at nucleotide position 3151. The valine at codon 1051 is replaced by leucine, an amino acid with highly similar properties. This amino acid position is highly conserved in available vertebrate species. In addition, this alteration is predicted to be deleterious by in silico analysis. Based on the available evidence, the clinical significance of this variant remains unclear.

Labcorp Genetics (formerly Invitae), Labcorp
Classification: Uncertain significance for Hereditary nonpolyposis colorectal neoplasms. Last evaluated: 2022-09-23. Review status: criteria provided, single submitter. Criteria: Invitae Variant Classification Sherloc (09022015). Collection method: clinical testing. Allele origin: germline.
Comment: This variant has not been reported in the literature in individuals affected with MSH6-related conditions. This variant is not present in population databases (gnomAD no frequency). This sequence change replaces valine, which is neutral and non-polar, with leucine, which is neutral and non-polar, at codon 1051 of the MSH6 protein (p.Val1051Leu). ClinVar contains an entry for this variant (Variation ID: 1414477). In summary, the available evidence is currently insufficient to determine the role of this variant in disease. Therefore, it has been classified as a Variant of Uncertain Significance. Advanced modeling of protein sequence and biophysical properties (such as structural, functional, and spatial information, amino acid conservation, physicochemical variation, residue mobility, and thermodynamic stability) performed at Invitae indicates that this missense variant is not expected to disrupt MSH6 protein function.